The following is an entry in ClinVar:

ClinVar aggregate classification (germline): Uncertain significance (1 of 4 stars; one submission).

Conditions:
Spastic paraplegia. Identifiers: MedGen C0037772, HP:0001258.

Allele frequency attached by ClinVar (database versions not stated): ExAC 0.00793.

Submission:

Labcorp Genetics (formerly Invitae), Labcorp
Classification: Uncertain significance for Spastic paraplegia. Last evaluated: 2016-03-12. Review status: criteria provided, single submitter. Criteria: Invitae Variant Classification Sherloc (09022015). Collection method: clinical testing. Allele origin: germline.
Comment: This sequence change replaces valine with glycine at codon 134 of the FA2H protein (p.Val134Gly). The valine residue is highly conserved and there is a moderate physicochemical difference between valine and glycine. While this variant is present in population databases (rs199659429), the frequency information is unreliable, as metrics indicate poor data quality at this position in the ExAC database. This variant has not been reported in the literature in an individual with a FA2H-related disease. Algorithms developed to predict the effect of missense changes on protein structure and function do not agree on the potential impact of this missense change (SIFT: "Deleterious"; PolyPhen-2: "Benign"; Align-GVGD: "Class C35"). In summary, this variant is a rare missense change with uncertain impact on protein function. There is no indication that it causes disease, but the available evidence is currently insufficient to prove that conclusively. Therefore, it has been classified as a Variant of Uncertain Significance.

NM_024306.5(FA2H):c.401T>G (p.Val134Gly)

Gene: FA2H (fatty acid 2-hydroxylase; minus strand). Cytogenetic location: 16q23.1.
Variant type: single nucleotide variant.
Coding change: c.401T>G on transcript NM_024306.5 (MANE Select); coding-DNA position 401, T replaced by G.
Protein change: p.Val134Gly; replaces valine 134 with glycine.
Molecular consequence: missense variant.
Genome position (GRCh38, 1-based): chr16:74,727,349, A>C on the plus strand (T>G on the coding strand, the complement: FA2H is on the minus strand). VCF-style: chr16-74727349-A-C. GRCh37 (hg19) VCF-style: chr16-74761247-A-C.
Other names: short protein forms V134G.
Identifiers: ClinVar variation 241462 (VCV000241462.1), dbSNP rs199659429, ClinGen allele CA8170548.